The following is an entry in ClinVar:

ClinVar aggregate classification (germline): Uncertain significance. Review status: criteria provided, multiple submitters, no conflicts (2 of 4 stars). 3 submissions from 3 submitters: Uncertain significance (3). Last evaluated 2025-03-19.

Conditions:
Early-infantile DEE. Also called: Early infantile epileptic encephalopathy with suppression bursts; Early infantile epileptic encephalopathy; Ohtahara syndrome. Identifiers: Orphanet 1934, MedGen C0393706, MONDO:0800491.

Allele frequency attached by ClinVar (database versions not stated): ExAC 0.00001; gnomAD exomes 0.00001.
gnomAD v4.1: 11 of 1,613,828 alleles (0.00068%); highest among the groups gnomAD compares: Non-Finnish European, 0.00085%; no homozygotes.

Submissions (3):

Labcorp Genetics (formerly Invitae), Labcorp
Classification: Uncertain significance for Early-infantile DEE. Last evaluated: 2025-03-19. Review status: criteria provided, single submitter. Criteria: Invitae Variant Classification Sherloc (09022015). Collection method: clinical testing. Allele origin: germline.
Comment: This sequence change replaces arginine, which is basic and polar, with histidine, which is basic and polar, at codon 2160 of the SPTAN1 protein (p.Arg2160His). This variant is present in population databases (rs745582924, gnomAD 0.006%). This variant has not been reported in the literature in individuals affected with SPTAN1-related conditions. ClinVar contains an entry for this variant (Variation ID: 2436390). Invitae Evidence Modeling of protein sequence and biophysical properties (such as structural, functional, and spatial information, amino acid conservation, physicochemical variation, residue mobility, and thermodynamic stability) has been performed for this missense variant. However, the output from this modeling did not meet the statistical confidence thresholds required to predict the impact of this variant on SPTAN1 protein function. In summary, the available evidence is currently insufficient to determine the role of this variant in disease. Therefore, it has been classified as a Variant of Uncertain Significance.

Women's Health and Genetics/Laboratory Corporation of America, LabCorp
Classification: Uncertain significance. Last evaluated: 2024-04-29. Review status: criteria provided, single submitter. Criteria: LabCorp Variant Classification Summary - May 2015. Collection method: clinical testing. Allele origin: germline.
Comment: Variant summary: SPTAN1 c.6479G>A (p.Arg2160His) results in a non-conservative amino acid change in the encoded protein sequence. Three of five in-silico tools predict a damaging effect of the variant on protein function. The variant allele was found at a frequency of 2e-05 in 250870 control chromosomes. The available data on variant occurrences in the general population are insufficient to allow any conclusion about variant significance. To our knowledge, no occurrence of c.6479G>A in individuals affected with Epileptic Encephalopathy, Early Infantile, 5 and no experimental evidence demonstrating its impact on protein function have been reported. ClinVar contains an entry for this variant (Variation ID: 2436390). Based on the evidence outlined above, the variant was classified as uncertain significance.

Revvity Omics, Revvity
Classification: Uncertain significance. Last evaluated: 2022-01-04. Review status: criteria provided, single submitter. Criteria: ACMG Guidelines, 2015. Collection method: clinical testing. Allele origin: germline.

NM_001130438.3(SPTAN1):c.6479G>A (p.Arg2160His)

Gene: SPTAN1 (spectrin alpha, non-erythrocytic 1; plus strand). Cytogenetic location: 9q34.11.
Variant type: single nucleotide variant.
Coding change: c.6479G>A on transcript NM_001130438.3 (MANE Select); coding-DNA position 6479, G replaced by A.
Protein change: p.Arg2160His; replaces arginine 2160 with histidine.
Molecular consequence: missense variant.
Genome position (GRCh38, 1-based): chr9:128,626,590, G>A. VCF-style: chr9-128626590-G-A. GRCh37 (hg19) VCF-style: chr9-131388869-G-A.
Other names: c.6515G>A, p.Arg2172His (NM_001375312.2, NM_001375318.1); c.6479G>A, p.Arg2160His (NM_001375313.1, NM_001363759.2, NM_001375310.1 and 1 more transcripts); c.6419G>A, p.Arg2140His (NM_001375314.2, NM_001363765.2); c.6464G>A, p.Arg2155His (NM_003127.4); c.6404G>A, p.Arg2135His (NM_001195532.2); short protein forms R2135H, R2140H, R2155H, R2160H, R2172H.
Identifiers: ClinVar variation 2436390 (VCV002436390.6), dbSNP rs745582924, ClinGen allele CA5265710.
Genomic context (GRCh38, chr9:128,626,590, plus strand): 5'-CCTTCCGCTCCTCCCTCAGCTCTGCCCAGGCTGACTTCAACCAGCTGGCCGAGCTGGACC[G>A]CCAGATCAAGAGCTTCCGCGTAGCCTCCAACCCCTACACCTGGTTTACCATGGAGGCCCT-3'
Protein context (NP_001123910.1, residues 2150-2170): ADFNQLAELD[Arg2160His]QIKSFRVASN